The following is an entry in ClinVar:

ClinVar aggregate classification (germline): Uncertain significance. Review status: criteria provided, single submitter (1 of 4 stars). 3 submissions from 3 submitters: Uncertain significance (1). 2 of the submissions do not count toward it. Last evaluated 2020-11-03.

Submissions (3):

GeneDx
Classification: Uncertain significance. Last evaluated: 2020-11-03. Review status: criteria provided, single submitter. Criteria: GeneDx Variant Classification Process June 2021. Collection method: clinical testing. Allele origin: germline. Affected: yes.
Comment: Has not been previously published as pathogenic or benign to our knowledge; Not observed in large population cohorts (Lek et al., 2016); In silico analysis, which includes protein predictors and evolutionary conservation, supports a deleterious effect

Clinical Genetics, Academic Medical Center
Classification: Uncertain significance. Review status: no assertion criteria provided. Collection method: clinical testing. Allele origin: germline. Affected: yes. Study: VKGL Data-share Consensus. Not counted in ClinVar's aggregate classification.

Genome Diagnostics Laboratory, University Medical Center Utrecht
Classification: Uncertain significance. Review status: no assertion criteria provided. Collection method: clinical testing. Allele origin: germline. Affected: yes. Study: VKGL Data-share Consensus. Not counted in ClinVar's aggregate classification.

NM_002471.4(MYH6):c.4955T>C (p.Leu1652Pro)

Genes: MYH6 (myosin heavy chain 6; minus strand), LOC126861896 (BRD4-independent group 4 enhancer GRCh37_chr14:23854904-23856103; plus strand). Cytogenetic location: 14q11.2.
Variant type: single nucleotide variant.
Coding change: c.4955T>C on transcript NM_002471.4 (MANE Select); coding-DNA position 4955, T replaced by C.
Protein change: p.Leu1652Pro; replaces leucine 1652 with proline.
Molecular consequence: missense variant.
Genome position (GRCh38, 1-based): chr14:23,386,319, A>G on the plus strand (T>C on the coding strand, the complement: MYH6 is on the minus strand). VCF-style: chr14-23386319-A-G. GRCh37 (hg19) VCF-style: chr14-23855528-A-G.
Other names: short protein forms L1652P.
Identifiers: ClinVar variation 1284546 (VCV001284546.4), dbSNP rs2138584834, ClinGen allele CA388990820.